The following is an entry in ClinVar:

NM_003737.4(DCHS1):c.3722C>T (p.Ala1241Val)

Gene: DCHS1 (dachsous cadherin-related 1; minus strand). Cytogenetic location: 11p15.4.
Variant type: single nucleotide variant.
Coding change: c.3722C>T on transcript NM_003737.4 (MANE Select); coding-DNA position 3722, C replaced by T.
Protein change: p.Ala1241Val; replaces alanine 1241 with valine.
Molecular consequence: missense variant.
Genome position (GRCh38, 1-based): chr11:6,631,361, G>A on the plus strand (C>T on the coding strand, the complement: DCHS1 is on the minus strand). VCF-style: chr11-6631361-G-A. GRCh37 (hg19) VCF-style: chr11-6652592-G-A.
Other names: short protein forms A1241V.
Identifiers: ClinVar variation 1800691 (VCV001800691.6), dbSNP rs201076402, ClinGen allele CA5860449.

ClinVar aggregate classification (germline): Uncertain significance. Review status: criteria provided, multiple submitters, no conflicts (2 of 4 stars). 3 submissions from 3 submitters: Uncertain significance (3). Last evaluated 2025-07-13.

Conditions:
Van Maldergem syndrome 1 (VMLDS1). Also called: Van Maldergem syndrome 1 (VMLDS1). Identifiers: Orphanet 314679, MedGen C4551950, MONDO:0011070, OMIM 601390.
Mitral valve prolapse, myxomatous 2. Also called: Mitral valve prolapse 2; MMVP2. Identifiers: MedGen C1843003, MONDO:0011915, OMIM 607829.

Allele frequency attached by ClinVar (database versions not stated): gnomAD exomes 0.00001; ExAC 0.00002; gnomAD 0.00002; TOPMed 0.00002; 1000 Genomes Project 30x 0.00016; 1000 Genomes Project 0.00020.
gnomAD v4.1: 20 of 1,613,944 alleles (0.0012%); highest among the groups gnomAD compares: East Asian, 0.011%; no homozygotes.

Submissions (3):

Labcorp Genetics (formerly Invitae), Labcorp
Classification: Uncertain significance. Last evaluated: 2025-07-13. Review status: criteria provided, single submitter. Criteria: Invitae Variant Classification Sherloc (09022015). Collection method: clinical testing. Allele origin: germline.
Comment: This sequence change replaces alanine, which is neutral and non-polar, with valine, which is neutral and non-polar, at codon 1241 of the DCHS1 protein (p.Ala1241Val). This variant is present in population databases (rs201076402, gnomAD 0.01%). This variant has not been reported in the literature in individuals affected with DCHS1-related conditions. ClinVar contains an entry for this variant (Variation ID: 1800691). Invitae Evidence Modeling of protein sequence and biophysical properties (such as structural, functional, and spatial information, amino acid conservation, physicochemical variation, residue mobility, and thermodynamic stability) indicates that this missense variant is not expected to disrupt DCHS1 protein function with a negative predictive value of 80%. Algorithms developed to predict the effect of sequence changes on RNA splicing suggest that this variant may create or strengthen a splice site. In summary, the available evidence is currently insufficient to determine the role of this variant in disease. Therefore, it has been classified as a Variant of Uncertain Significance.

GeneDx
Classification: Uncertain significance. Last evaluated: 2022-05-20. Review status: criteria provided, single submitter. Criteria: GeneDx Variant Classification Process June 2021. Collection method: clinical testing. Allele origin: germline. Affected: yes.
Comment: In silico analysis supports that this missense variant has a deleterious effect on protein structure/function; Has not been previously published as pathogenic or benign to our knowledge

Juno Genomics, Hangzhou Juno Genomics, Inc
Classification: Uncertain significance for Mitral valve prolapse, myxomatous 2; Van Maldergem syndrome 1. Review status: criteria provided, single submitter. Criteria: ACMG Guidelines, 2015. Collection method: clinical testing. Allele origin: germline.
Comment: Absent from controls (or at extremely low frequency if recessive) in Genome Aggregation Database.;Multiple lines of computational evidence support a deleterious effect on the gene or gene product.;Patient's phenotype or family history is highly specific for a disease with a single genetic etiology.